The following is an entry in ClinVar:

NM_003738.5(PTCH2):c.3352C>T (p.Pro1118Ser)

Gene: PTCH2 (patched 2; minus strand). Cytogenetic location: 1p34.1.
Variant type: single nucleotide variant.
Coding change: c.3352C>T on transcript NM_003738.5 (MANE Select); coding-DNA position 3352, C replaced by T.
Protein change: p.Pro1118Ser; replaces proline 1118 with serine.
Molecular consequence: missense variant.
Genome position (GRCh38, 1-based): chr1:44,823,074, G>A on the plus strand (C>T on the coding strand, the complement: PTCH2 is on the minus strand). VCF-style: chr1-44823074-G-A. GRCh37 (hg19) VCF-style: chr1-45288746-G-A.
Other names: c.3352C>T, p.Pro1118Ser (NM_001166292.2); short protein forms P1118S.
Identifiers: ClinVar variation 1718633 (VCV001718633.6), dbSNP rs2148871628, ClinGen allele CA340105873.

ClinVar aggregate classification (germline): Uncertain significance (1 of 4 stars; one submission).

Conditions:
Gorlin syndrome. Also called: Nevoid Basal Cell Carcinoma Syndrome; Basal cell nevus syndrome. Identifiers: Orphanet 377, MedGen C0004779, MONDO:0007187.

Submission:

Labcorp Genetics (formerly Invitae), Labcorp
Classification: Uncertain significance for Gorlin syndrome. Last evaluated: 2022-09-17. Review status: criteria provided, single submitter. Criteria: Invitae Variant Classification Sherloc (09022015). Collection method: clinical testing. Allele origin: germline.
Comment: In summary, the available evidence is currently insufficient to determine the role of this variant in disease. Therefore, it has been classified as a Variant of Uncertain Significance. Advanced modeling of protein sequence and biophysical properties (such as structural, functional, and spatial information, amino acid conservation, physicochemical variation, residue mobility, and thermodynamic stability) performed at Invitae indicates that this missense variant is not expected to disrupt PTCH2 protein function. This variant has not been reported in the literature in individuals affected with PTCH2-related conditions. This variant is not present in population databases (gnomAD no frequency). This sequence change replaces proline, which is neutral and non-polar, with serine, which is neutral and polar, at codon 1118 of the PTCH2 protein (p.Pro1118Ser).